The following is an entry in ClinVar:

ClinVar aggregate classification (germline): Uncertain significance (1 of 4 stars; one submission).

Submission:

Laboratory for Molecular Medicine, Mass General Brigham Personalized Medicine
Classification: Uncertain significance. Last evaluated: 2012-03-23. Review status: criteria provided, single submitter. Criteria: LMM Criteria. Collection method: clinical testing. Allele origin: somatic. Observed: 1 variant allele.
Comment: The Val769Leu variant in exon 20 of EGFR has previously been reported in the literature together with the Ser768Ile variant in exon 20 of EGFR (Asahina 2006). This combination of sequence alterations has been previously reported in one individual that did not demonstrate responsiveness to the EGFR TKI gefitinib (Asahina 2006).

NM_005228.5(EGFR):c.2305G>T (p.Val769Leu)

Genes: EGFR-AS1 (EGFR antisense RNA 1; minus strand), EGFR (epidermal growth factor receptor; plus strand). Cytogenetic location: 7p11.2.
Variant type: single nucleotide variant.
Coding change: c.2305G>T on transcript NM_005228.5 (MANE Select); coding-DNA position 2305, G replaced by T.
Protein change: p.Val769Leu; replaces valine 769 with leucine.
Molecular consequence: missense variant. On other transcripts: non-coding transcript variant (1).
Genome position (GRCh38, 1-based): chr7:55,181,314, G>T. VCF-style: chr7-55181314-G-T. GRCh37 (hg19) VCF-style: chr7-55249007-G-T.
Other names: c.2170G>T, p.Val724Leu (NM_001346897.2, NM_001346899.2); c.2305G>T, p.Val769Leu (NM_001346898.2); c.2146G>T, p.Val716Leu (NM_001346900.2); c.1504G>T, p.Val502Leu (NM_001346941.2); short protein forms V769L, V502L, V716L, V724L.
Identifiers: ClinVar variation 45255 (VCV000045255.4), dbSNP rs147149347, ClinGen allele CA135850.